The following is an entry in ClinVar:

NM_000077.5(CDKN2A):c.61G>A (p.Ala21Thr)

Gene: CDKN2A (cyclin dependent kinase inhibitor 2A; minus strand). Cytogenetic location: 9p21.3.
Variant type: single nucleotide variant.
Coding change: c.61G>A on transcript NM_000077.5; coding-DNA position 61, G replaced by A.
Protein change: p.Ala21Thr; replaces alanine 21 with threonine.
Molecular consequence: missense variant (on NM_000077.6). On other transcripts: intron variant (2).
Genome position (GRCh38, 1-based): chr9:21,974,767, C>T on the plus strand (G>A on the coding strand, the complement: CDKN2A is on the minus strand). VCF-style: chr9-21974767-C-T. GRCh37 (hg19) VCF-style: chr9-21974766-C-T.
Other names: c.61G>A, p.Ala21Thr (NM_000077.6, NM_001195132.2, NM_058197.5); c.-3-3559G>A (NM_001363763.2); c.194-3559G>A (NM_058195.4); short protein forms A21T.
Identifiers: ClinVar variation 418120 (VCV000418120.17), dbSNP rs1064793082, ClinGen allele CA16618836.

ClinVar aggregate classification (germline): Uncertain significance. Review status: criteria provided, multiple submitters, no conflicts (2 of 4 stars). 4 submissions from 4 submitters: Uncertain significance (4). Last evaluated 2024-01-26.

Conditions:
Melanoma and neural system tumor syndrome. Also called: MELANOMA-ASTROCYTOMA SYNDROME. Identifiers: Orphanet 252206, MedGen C1835042, MONDO:0007967, OMIM 155755.
Familial melanoma. Also called: Hereditary melanoma; Hereditary cutaneous melanoma. Identifiers: Orphanet 618, MedGen C1512419, MONDO:0018961.
Hereditary cancer-predisposing syndrome. Also called: Tumor predisposition; Hereditary Cancer Syndrome; Hereditary neoplastic syndrome; Neoplastic Syndromes, Hereditary. Identifiers: Orphanet 140162, MedGen C0027672, MeSH D009386, MONDO:0015356.

Submissions (4):

Labcorp Genetics (formerly Invitae), Labcorp
Classification: Uncertain significance for Familial melanoma. Last evaluated: 2024-01-26. Review status: criteria provided, single submitter. Criteria: Invitae Variant Classification Sherloc (09022015). Collection method: clinical testing. Allele origin: germline.
Comment: This sequence change replaces alanine, which is neutral and non-polar, with threonine, which is neutral and polar, at codon 21 of the CDKN2A (p16INK4a) protein (p.Ala21Thr). This variant is not present in population databases (gnomAD no frequency). This variant has not been reported in the literature in individuals affected with CDKN2A (p16INK4a)-related conditions. ClinVar contains an entry for this variant (Variation ID: 418120). An algorithm developed to predict the effect of missense changes on protein structure and function (PolyPhen-2) suggests that this variant is likely to be disruptive. In summary, the available evidence is currently insufficient to determine the role of this variant in disease. Therefore, it has been classified as a Variant of Uncertain Significance.

Baylor Genetics
Classification: Uncertain significance for Melanoma and neural system tumor syndrome. Last evaluated: 2023-06-30. Review status: criteria provided, single submitter. Criteria: ACMG Guidelines, 2015. Collection method: clinical testing. Allele origin: unknown.

Ambry Genetics
Classification: Uncertain significance for Hereditary cancer-predisposing syndrome. Last evaluated: 2023-06-08. Review status: criteria provided, single submitter. Criteria: Ambry Variant Classification Scheme 2023. Collection method: clinical testing. Allele origin: germline.
Comment: The p.A21T variant (also known as c.61G>A), located in coding exon 1 of the CDKN2A gene, results from a G to A substitution at nucleotide position 61. The alanine at codon 21 is replaced by threonine, an amino acid with similar properties. This amino acid position is highly conserved in available vertebrate species. In addition, the in silico prediction for this alteration is inconclusive. Since supporting evidence is limited at this time, the clinical significance of this alteration remains unclear.

GeneDx
Classification: Uncertain significance. Last evaluated: 2014-10-20. Review status: criteria provided, single submitter. Criteria: GeneDx Variant Classification (06012015). Collection method: clinical testing. Allele origin: germline. Affected: yes.
Comment: This variant is denoted CDKN2A c.61G>A at the cDNA level, p.Ala21Thr (A21T) at the protein level, and results in the change of an Alanine to a Threonine (GCC>ACC). This variant has not, to our knowledge, been published in the literature as pathogenic or benign. CDKN2A Ala21Thr was not observed in approximately 6,500 individuals of European and African American ancestry in the NHLBI Exome Sequencing Project, indicating it is not a common benign variant in these populations. Since Alanine and Threonine differ in polarity, charge, size or other properties, this is considered a non-conservative amino acid substitution. CDKN2A Ala21Thr occurs at a position that is conserved across species and is located within the ANK1 repeat (UniProt). In silico analyses predict that this variant is probably damaging to protein structure and function. Based on currently available information, it is unclear whether CDKN2A Ala21Thr is pathogenic or benign. We consider it to be a variant of uncertain significance.